The following is an entry in ClinVar:

ClinVar aggregate classification (germline): Likely benign (1 of 4 stars; one submission).

Conditions:
Disorders of Intracellular Cobalamin Metabolism. Identifiers: MedGen CN043592.

Allele frequency attached by ClinVar (database versions not stated): gnomAD exomes 0.00139; gnomAD 0.01904 and 0.02032; TOPMed 0.02090; 1000 Genomes Project 30x 0.02092; 1000 Genomes Project 0.02117.
gnomAD v4.1: 2,866 of 152,900 alleles (1.9%); highest among the groups gnomAD compares: African/African-American, 6.6%; 108 homozygotes.

Submission:

Illumina Laboratory Services, Illumina
Classification: Likely benign for Disorders of Intracellular Cobalamin Metabolism. Last evaluated: 2017-04-27. Review status: criteria provided, single submitter. Criteria: ICSL Variant Classification Criteria 13 December 2019. Collection method: clinical testing. Allele origin: germline.
Comment: This variant was observed as part of a predisposition screen in an ostensibly healthy population. A literature search was performed for the gene, cDNA change, and amino acid change (where applicable). No publications were found based on this search. Allele frequency data from public databases allowed determination this variant is unlikely to cause disease. Therefore, this variant is classified as likely benign.

NM_000254.3(MTR):c.*3322C>G

Gene: MTR (5-methyltetrahydrofolate-homocysteine methyltransferase; plus strand). Cytogenetic location: 1q43.
Variant type: single nucleotide variant.
Coding change: c.*3322C>G on transcript NM_000254.3 (MANE Select); 3322 bases downstream of the stop codon, C replaced by G.
Molecular consequence: 3 prime UTR variant.
Genome position (GRCh38, 1-based): chr1:236,900,966, C>G. VCF-style: chr1-236900966-C-G. GRCh37 (hg19) VCF-style: chr1-237064266-C-G.
Other names: c.*3322C>G (NM_001291939.1, NM_001291940.2).
Identifiers: ClinVar variation 296648 (VCV000296648.5), dbSNP rs76520920, ClinGen allele CA10609693.